The following is an entry in ClinVar:

NM_006231.4(POLE):c.1664A>C (p.Asp555Ala)

Gene: POLE (DNA polymerase epsilon, catalytic subunit; minus strand). Cytogenetic location: 12q24.33.
Variant type: single nucleotide variant.
Coding change: c.1664A>C on transcript NM_006231.4 (MANE Select); coding-DNA position 1664, A replaced by C.
Protein change: p.Asp555Ala; replaces aspartic acid 555 with alanine.
Molecular consequence: missense variant.
Genome position (GRCh38, 1-based): chr12:132,672,649, T>G on the plus strand (A>C on the coding strand, the complement: POLE is on the minus strand). VCF-style: chr12-132672649-T-G. GRCh37 (hg19) VCF-style: chr12-133249235-T-G.
Other names: short protein forms D555A.
Identifiers: ClinVar variation 5027124 (VCV005027124.1).

ClinVar aggregate classification (germline): Uncertain significance (1 of 4 stars; one submission).

Conditions:
Hereditary cancer-predisposing syndrome. Also called: Neoplastic Syndromes, Hereditary; Tumor predisposition; Hereditary neoplastic syndrome; Hereditary Cancer Syndrome. Identifiers: Orphanet 140162, MedGen C0027672, MeSH D009386, MONDO:0015356.

gnomAD v4.1: 1 of 1,614,084 alleles (0.000062%); highest among the groups gnomAD compares: South Asian, 0.0011%; no homozygotes.

Submission:

Ambry Genetics
Classification: Uncertain significance for Hereditary cancer-predisposing syndrome. Last evaluated: 2026-08-23. Review status: criteria provided, single submitter. Criteria: Ambry Variant Classification Scheme 2023. Collection method: clinical testing. Allele origin: germline.
Comment: The p.D555A variant (also known as c.1664A>C), located in coding exon 15 of the POLE gene, results from an A to C substitution at nucleotide position 1664. The aspartic acid at codon 555 is replaced by alanine, an amino acid with dissimilar properties. This amino acid position is conserved. In addition, this alteration is predicted to be deleterious by in silico analysis. Based on the available evidence, the clinical significance of this variant remains unclear.